The following is an entry in ClinVar:

ClinVar aggregate classification (germline): Benign. Review status: criteria provided, single submitter (1 of 4 stars). 2 submissions from 1 submitter: Benign (2). Last evaluated 2018-01-13.

Conditions:
Angiokeratoma corporis diffusum with arteriovenous fistulas. Identifiers: MedGen C1838141, MONDO:0010885, OMIM 600419.
Cerebral cavernous malformation (CCM). Also called: Cerebral cavernous hemangioma (type); Cerebral cavernous malformations; CAVERNOUS ANGIOMA, FAMILIAL; CAVERNOUS ANGIOMATOUS MALFORMATIONS; CEREBRAL CAPILLARY MALFORMATIONS; Cavernous Hemangioma of Brain. Identifiers: Orphanet 221061, MedGen C2919945, MONDO:0000820, OMIM 116860, HP:0033522.

Allele frequency attached by ClinVar (database versions not stated): 1000 Genomes Project 0.00120; gnomAD 0.00163 and 0.00171; 1000 Genomes Project 30x 0.00094; TOPMed 0.00194.

Submissions (2):

Illumina Laboratory Services, Illumina
Classification: Benign for Cerebral cavernous malformation. Last evaluated: 2018-01-13. Review status: criteria provided, single submitter. Criteria: ICSL Variant Classification Criteria 13 December 2019. Collection method: clinical testing. Allele origin: germline.
Comment: This variant was observed in the ICSL laboratory as part of a predisposition screen in an ostensibly healthy population. It had not been previously curated by ICSL or reported in the Human Gene Mutation Database (HGMD: prior to June 1st, 2018), and was therefore a candidate for classification through an automated scoring system. Utilizing variant allele frequency, disease prevalence and penetrance estimates, and inheritance mode, an automated score was calculated to assess if this variant is too frequent to cause the disease. Based on the score and internal cut-off values, a variant classified as benign is not then subjected to further curation. The score for this variant resulted in a classification of benign for this disease.

Illumina Laboratory Services, Illumina
Classification: Benign for Angiokeratoma corporis diffusum with arteriovenous fistulas. Last evaluated: 2018-01-13. Review status: criteria provided, single submitter. Criteria: ICSL Variant Classification Criteria 13 December 2019. Collection method: clinical testing. Allele origin: germline.
Comment: the same text as in the submission from Illumina Laboratory Services, Illumina above.

NM_194456.1(KRIT1):c.*1702A>G

Gene: KRIT1 (KRIT1 ankyrin repeat containing; minus strand). Cytogenetic location: 7q21.2.
Variant type: single nucleotide variant.
Coding change: c.*1702A>G on transcript NM_194456.1; 1702 bases downstream of the stop codon, A replaced by G.
Molecular consequence: 3 prime UTR variant.
Genome position (GRCh38, 1-based): chr7:92,199,034, T>C on the plus strand (A>G on the coding strand, the complement: KRIT1 is on the minus strand). VCF-style: chr7-92199034-T-C. GRCh37 (hg19) VCF-style: chr7-91828348-T-C.
Other names: c.*1702A>G (NM_001013406.2, NM_001350669.1, NM_001350670.1 and 29 more transcripts).
Identifiers: ClinVar variation 360862 (VCV000360862.7), dbSNP rs192818018, ClinGen allele CA10626527.